The following is an entry in ClinVar:

NM_001042681.2(RERE):c.1141C>A (p.Gln381Lys)

Gene: RERE (arginine-glutamic acid dipeptide repeats; minus strand). Cytogenetic location: 1p36.23.
Variant type: single nucleotide variant.
Coding change: c.1141C>A on transcript NM_001042681.2 (MANE Select); coding-DNA position 1141, C replaced by A.
Protein change: p.Gln381Lys; replaces glutamine 381 with lysine.
Molecular consequence: missense variant.
Genome position (GRCh38, 1-based): chr1:8,465,987, G>T on the plus strand (C>A on the coding strand, the complement: RERE is on the minus strand). VCF-style: chr1-8465987-G-T. GRCh37 (hg19) VCF-style: chr1-8526047-G-T.
Other names: c.1141C>A, p.Gln381Lys (NM_012102.4); short protein forms Q381K.
Identifiers: ClinVar variation 2575678 (VCV002575678.2), dbSNP rs1644591212, ClinGen allele CA338222467.

ClinVar aggregate classification (germline): Uncertain significance (1 of 4 stars; one submission).

Allele frequency attached by ClinVar (database versions not stated): TOPMed below 0.00001.

Submission:

GeneDx
Classification: Uncertain significance. Last evaluated: 2024-11-15. Review status: criteria provided, single submitter. Criteria: GeneDx Variant Classification Process June 2021. Collection method: clinical testing. Allele origin: germline. Affected: yes.
Comment: Not observed at significant frequency in large population cohorts (gnomAD); In silico analysis supports that this missense variant has a deleterious effect on protein structure/function; Has not been previously published as pathogenic or benign to our knowledge